The following is an entry in ClinVar:

NM_004628.5(XPC):c.1660C>T (p.Gln554Ter)

Gene: XPC (XPC complex subunit, DNA damage recognition and repair factor; minus strand). Cytogenetic location: 3p25.1.
Variant type: single nucleotide variant.
Coding change: c.1660C>T on transcript NM_004628.5 (MANE Select); coding-DNA position 1660, C replaced by T.
Protein change: p.Gln554Ter; replaces glutamine 554 with a stop codon.
Molecular consequence: nonsense. On other transcripts: non-coding transcript variant (2), intron variant (1).
Genome position (GRCh38, 1-based): chr3:14,158,223, G>A on the plus strand (C>T on the coding strand, the complement: XPC is on the minus strand). VCF-style: chr3-14158223-G-A. GRCh37 (hg19) VCF-style: chr3-14199723-G-A.
Other names: c.1081C>T, p.Gln361Ter (NM_001354726.2); c.1660C>T, p.Gln554Ter (NM_001354727.2); c.1642C>T, p.Gln548Ter (NM_001354729.2); c.1626+34C>T (NM_001354730.2); short protein forms Q361*, Q548*, Q554*.
Identifiers: ClinVar variation 929102 (VCV000929102.1), dbSNP rs1696002966, ClinGen allele CA351539874.

ClinVar aggregate classification (germline): Likely pathogenic (1 of 4 stars; one submission).

Conditions:
Xeroderma pigmentosum (XP). Identifiers: Orphanet 910, MedGen C0043346, MONDO:0019600.

Submission:

Women's Health and Genetics/Laboratory Corporation of America, LabCorp
Classification: Likely pathogenic for Xeroderma pigmentosum. Last evaluated: 2019-01-28. Review status: criteria provided, single submitter. Criteria: LabCorp Variant Classification Summary - May 2015. Collection method: clinical testing. Allele origin: germline.
Comment: Variant summary: XPC c.1660C>T (p.Gln554X) results in a premature termination codon, predicted to cause a truncation of the encoded protein or absence of the protein due to nonsense mediated decay, which are commonly known mechanisms for disease. A truncation downstream of this position has been classified as pathogenic by our laboratory (eg. c.2074A>T, p.Lys692X). The variant was absent in 246100 control chromosomes (gnomAD). c.1660C>T has been reported in the literature in an individual affected with Xeroderma Pigmentosum (Lam_2005). To our knowledge, no experimental evidence demonstrating an impact on protein function has been reported. No clinical diagnostic laboratories have submitted clinical-significance assessments for this variant to ClinVar after 2014. Based on the evidence outlined above, the variant was classified as likely pathogenic.

Literature cited by the submitters: PubMed 15654957; PubMed 30516811.